The following is an entry in ClinVar:

NM_005188.4(CBL):c.1614A>G (p.Thr538=)

Gene: CBL (Cbl proto-oncogene; plus strand). Cytogenetic location: 11q23.3.
Variant type: single nucleotide variant.
Coding change: c.1614A>G on transcript NM_005188.4 (MANE Select); coding-DNA position 1614, A replaced by G.
Protein change: p.Thr538=; no amino-acid change (threonine 538 retained).
Molecular consequence: synonymous variant.
Genome position (GRCh38, 1-based): chr11:119,285,239, A>G. VCF-style: chr11-119285239-A-G. GRCh37 (hg19) VCF-style: chr11-119155949-A-G.
Identifiers: ClinVar variation 750898 (VCV000750898.14), dbSNP rs1408642074, ClinGen allele CA477374939.
Genomic context (GRCh38, chr11:119,285,239, plus strand): 5'-GCTTCCACAGGCTGCTTCTGGCTCCCTTCATAAAGACAAACCATTGCCAGTACCTCCCAC[A>G]CTTCGAGATCTTCCACCACCACCGCCTCCAGACCGGCCATATTCTGTTGGAGCAGAATCC-3'
Protein context (NP_005179.2, residues 528-548): HKDKPLPVPP[Thr538=]LRDLPPPPPP

ClinVar aggregate classification (germline): Likely benign. Review status: criteria provided, multiple submitters, no conflicts (2 of 4 stars). 3 submissions from 3 submitters: Likely benign (2). 1 of the submissions does not count toward it. Last evaluated 2025-05-08.

Conditions:
CBL-related disorder. Also called: NOONAN SYNDROME-LIKE DISORDER WITHOUT JUVENILE MYELOMONOCYTIC LEUKEMIA; CBL MUTATION-ASSOCIATED SYNDROME; CBL SYNDROME. Identifiers: Orphanet 363972, MedGen C3150803, MONDO:0013308, OMIM 613563.
Cardiovascular phenotype. Identifiers: MedGen CN230736.
RASopathy. Also called: rasopathies; Noonan spectrum disorder. Identifiers: Orphanet 536391, MedGen C5555857, MONDO:0021060.

Allele frequency attached by ClinVar (database versions not stated): TOPMed below 0.00001.

Submissions (3):

Labcorp Genetics (formerly Invitae), Labcorp
Classification: Likely benign for RASopathy. Last evaluated: 2025-05-08. Review status: criteria provided, single submitter. Criteria: Invitae Variant Classification Sherloc (09022015). Collection method: clinical testing. Allele origin: germline.

Ambry Genetics
Classification: Likely benign for Cardiovascular phenotype. Last evaluated: 2022-09-12. Review status: criteria provided, single submitter. Criteria: Ambry Variant Classification Scheme 2023. Collection method: clinical testing. Allele origin: germline.

PreventionGenetics, part of Exact Sciences
Classification: Likely benign for CBL-related condition. Last evaluated: 2022-01-30. Review status: no assertion criteria provided. Collection method: clinical testing. Allele origin: germline. Not counted in ClinVar's aggregate classification.
Comment: This variant is classified as likely benign based on ACMG/AMP sequence variant interpretation guidelines (Richards et al. 2015 PMID: 25741868, with internal and published modifications).